The following is an entry in ClinVar:

NM_000051.4(ATM):c.5896del (p.Ser1966fs)

Genes: ATM (ATM serine/threonine kinase; plus strand), C11orf65 (chromosome 11 open reading frame 65; minus strand). Cytogenetic location: 11q22.3.
Variant type: Deletion.
Coding change: c.5896del on transcript NM_000051.4 (MANE Select); coding-DNA position 5896, one base deleted (A; older notation c.5896delA).
Protein change: p.Ser1966fs; shifts the reading frame from serine 1966.
Molecular consequence: frameshift variant. On other transcripts: intron variant (2).
Genome position (GRCh38, 1-based): chr11:108,310,293, A deleted; the last of 4 consecutive A bases (chr11:108,310,290-108,310,293); deleting any one gives the same sequence. VCF-style (leftmost placement, unchanged base first): chr11-108310289-GA-G. GRCh37 (hg19) VCF-style: chr11-108181016-GA-G.
Other names: c.5896del, p.Ser1966fs (NM_001351834.2); c.641-1219del (NM_001330368.2); c.*39-1219del (NM_001351110.2); short protein forms S1966fs.
Identifiers: ClinVar variation 2679772 (VCV002679772.3), dbSNP rs1555110514, ClinGen allele CA2695198990.

ClinVar aggregate classification (germline): Pathogenic/Likely pathogenic. Review status: criteria provided, multiple submitters, no conflicts (2 of 4 stars). 2 submissions from 2 submitters: Pathogenic (1); Likely pathogenic (1). Last evaluated 2022-05-20.

Conditions:
Familial cancer of breast. Also called: BREAST CANCER, FAMILIAL; Hereditary breast cancer; hereditary breast carcinoma. Identifiers: Orphanet 227535, MedGen C0346153, MONDO:0016419, OMIM 114480. Disease mechanism: loss of function.
Ataxia-telangiectasia syndrome (AT). Also called: LOUIS-BAR SYNDROME; Cerebello-oculocutaneous telangiectasia; Immunodeficiency with ataxia telangiectasia; Ataxia-telangiectasia, complementation group E; Ataxia-telangiectasia, complementation group D; AT, COMPLEMENTATION GROUP C. Identifiers: Orphanet 100, MedGen C0004135, MONDO:0008840, OMIM 208900.

Submissions (2):

Baylor Genetics
Classification: Likely pathogenic for Familial cancer of breast. Last evaluated: 2022-05-20. Review status: criteria provided, single submitter. Criteria: ACMG Guidelines, 2015. Collection method: clinical testing. Allele origin: unknown.

Juno Genomics, Hangzhou Juno Genomics, Inc
Classification: Pathogenic for Familial cancer of breast; Ataxia-telangiectasia syndrome. Review status: criteria provided, single submitter. Criteria: ACMG Guidelines, 2015. Collection method: clinical testing. Allele origin: germline.
Comment: Absent from controls (or at extremely low frequency if recessive) in Genome Aggregation Database.;Null variant in a gene where loss of function (LOF) is a known mechanism of disease.;Novel missense change at an amino acid residue where a different missense change determined to be pathogenic has been seen before.